The following is an entry in ClinVar:

NM_016507.4(CDK12):c.3448C>G (p.Leu1150Val)

Gene: CDK12 (cyclin dependent kinase 12; plus strand). Cytogenetic location: 17q12.
Variant type: single nucleotide variant.
Coding change: c.3448C>G on transcript NM_016507.4 (MANE Select); coding-DNA position 3448, C replaced by G.
Protein change: p.Leu1150Val; replaces leucine 1150 with valine.
Molecular consequence: missense variant.
Genome position (GRCh38, 1-based): chr17:39,526,004, C>G. VCF-style: chr17-39526004-C-G. GRCh37 (hg19) VCF-style: chr17-37682257-C-G.
Other names: c.3448C>G, p.Leu1150Val (NM_015083.4); short protein forms L1150V.
Identifiers: ClinVar variation 3830790 (VCV003830790.1).
Genomic context (GRCh38, chr17:39,526,004, plus strand): 5'-AGCATCCCTCAAATGGCACAGCTGCTTAACATCCACTCCAACCCAGAGATGCAGCAGCAG[C>G]TGGAAGCCCTGAACCAATCCATCAGTGCCCTGACGGAAGCTACTTCCCAGCAGCAGGACT-3'
Protein context (NP_057591.2, residues 1140-1160): IHSNPEMQQQ[Leu1150Val]EALNQSISAL

ClinVar aggregate classification (germline): Uncertain significance (1 of 4 stars; one submission).

Submission:

Ambry Genetics
Classification: Uncertain significance. Last evaluated: 2025-03-11. Review status: criteria provided, single submitter. Criteria: Ambry Variant Classification Scheme 2023. Collection method: clinical testing. Allele origin: germline.
Comment: The p.L1150V variant (also known as c.3448C>G), located in coding exon 13 of the CDK12 gene, results from a C to G substitution at nucleotide position 3448. The leucine at codon 1150 is replaced by valine, an amino acid with highly similar properties. This amino acid position is conserved. In addition, this alteration is predicted to be tolerated by in silico analysis. Based on the available evidence, the clinical significance of this variant remains unclear.